The following is an entry in ClinVar:

ClinVar aggregate classification (germline): Likely benign. Review status: criteria provided, multiple submitters, no conflicts (2 of 4 stars). 3 submissions from 3 submitters: Likely benign (3). Last evaluated 2026-01-09.

Allele frequency attached by ClinVar (database versions not stated): ExAC 0.00004.
gnomAD v4.1: 39 of 1,598,722 alleles (0.0024%); highest among the groups gnomAD compares: Middle Eastern, 0.017%; no homozygotes.

Submissions (3):

Labcorp Genetics (formerly Invitae), Labcorp
Classification: Likely benign. Last evaluated: 2026-01-09. Review status: criteria provided, single submitter. Criteria: Invitae Variant Classification Sherloc (09022015). Collection method: clinical testing. Allele origin: germline.

CeGaT Center for Human Genetics Tuebingen
Classification: Likely benign. Last evaluated: 2025-10-01. Review status: criteria provided, single submitter. Criteria: CeGaT Center For Human Genetics Tuebingen Variant Classification Criteria Version 2. Collection method: clinical testing. Allele origin: germline. Affected: yes. Observed: 2 variant alleles.
Comment: COL18A1: BP4, BP7

Blueprint Genetics
Classification: Likely benign. Last evaluated: 2021-11-08. Review status: criteria provided, single submitter. Criteria: ACMG Guidelines, 2015. Collection method: clinical testing. Allele origin: germline.

NM_001379500.1(COL18A1):c.3585C>T (p.Ala1195=)

Genes: SLC19A1 (solute carrier family 19 member 1; minus strand), COL18A1 (collagen type XVIII alpha 1 chain; plus strand). Cytogenetic location: 21q22.3.
Variant type: single nucleotide variant.
Coding change: c.3585C>T on transcript NM_001379500.1 (MANE Select); coding-DNA position 3585, C replaced by T.
Protein change: p.Ala1195=; no amino-acid change (alanine 1195 retained).
Molecular consequence: synonymous variant.
Genome position (GRCh38, 1-based): chr21:45,510,153, C>T. VCF-style: chr21-45510153-C-T. GRCh37 (hg19) VCF-style: chr21-46930067-C-T.
Other names: c.4116C>T, p.Ala1372= (NM_030582.4); c.4821C>T, p.Ala1607= (NM_130444.3).
Identifiers: ClinVar variation 1628554 (VCV001628554.30), dbSNP rs754187633, ClinGen allele CA10067965.
Genomic context (GRCh38, chr21:45,510,153, plus strand): 5'-GTCAGGCGGCATGCGGGGCATCCGCGGGGCCGACTTCCAGTGCTTCCAGCAGGCGCGGGC[C>T]GTGGGGCTGGCGGGCACCTTCCGCGCCTTCCTGTCCTCGCGCCTGCAGGACCTGTACAGC-3'
Protein context (NP_001366429.1, residues 1185-1205): ADFQCFQQAR[Ala1195=]VGLAGTFRAF